The following is an entry in ClinVar:

NM_014889.4(PITRM1):c.2236G>T (p.Val746Leu)

Genes: PITRM1 (pitrilysin metallopeptidase 1; minus strand), PITRM1-AS1 (PITRM1 antisense RNA 1; plus strand). Cytogenetic location: 10p15.2.
Variant type: single nucleotide variant.
Coding change: c.2236G>T on transcript NM_014889.4 (MANE Select); coding-DNA position 2236, G replaced by T.
Protein change: p.Val746Leu; replaces valine 746 with leucine.
Molecular consequence: missense variant. On other transcripts: non-coding transcript variant (5).
Genome position (GRCh38, 1-based): chr10:3,147,250, C>A on the plus strand (G>T on the coding strand, the complement: PITRM1 is on the minus strand). VCF-style: chr10-3147250-C-A. GRCh37 (hg19) VCF-style: chr10-3189442-C-A.
Other names: NC_000010.10:g.3189442C>A; c.2239G>T, p.Val747Leu (NM_001242307.2); c.1942G>T, p.Val648Leu (NM_001242309.1); c.2038G>T, p.Val680Leu (NM_001347725.2); c.1423G>T, p.Val475Leu (NM_001347726.2); c.1621G>T, p.Val541Leu (NM_001347727.2); c.931G>T, p.Val311Leu (NM_001347728.2); c.2212G>T, p.Val738Leu (NM_001347729.1); and 1 more; short protein forms V311L, V475L, V541L, V648L, V672L, V680L, V738L, V746L.
Identifiers: ClinVar variation 3024763 (VCV003024763.24), dbSNP rs200811251, ClinGen allele CA5387463.

ClinVar aggregate classification (germline): Uncertain significance. Review status: criteria provided, multiple submitters, no conflicts (2 of 4 stars). 2 submissions from 2 submitters: Uncertain significance (2). Last evaluated 2026-01-26.

Allele frequency attached by ClinVar (database versions not stated): ExAC 0.00054; ESP Exome Variant Server 0.00130.
gnomAD v4.1: 1,222 of 1,609,930 alleles (0.076%); highest among the groups gnomAD compares: Non-Finnish European, 0.099%; no homozygotes.

Submissions (5):

Labcorp Genetics (formerly Invitae), Labcorp
Classification: Uncertain significance. Last evaluated: 2026-01-26. Review status: criteria provided, single submitter. Criteria: Invitae Variant Classification Sherloc (09022015). Collection method: clinical testing. Allele origin: germline.
Comment: This sequence change replaces valine, which is neutral and non-polar, with leucine, which is neutral and non-polar, at codon 648 of the PITRM1 protein (p.Val648Leu). This variant is present in population databases (rs200811251, gnomAD 0.1%), and has an allele count higher than expected for a pathogenic variant. This variant has not been reported in the literature in individuals affected with PITRM1-related conditions. ClinVar contains an entry for this variant (Variation ID: 3024763). An algorithm developed to predict the effect of missense changes on protein structure and function (PolyPhen-2) suggests that this variant is likely to be disruptive. Algorithms developed to predict the effect of sequence changes on RNA splicing suggest that this variant may disrupt the consensus splice site. In summary, the available evidence is currently insufficient to determine the role of this variant in disease. Therefore, it has been classified as a Variant of Uncertain Significance.

CeGaT Center for Human Genetics Tuebingen
Classification: Uncertain significance. Last evaluated: 2024-01-01. Review status: criteria provided, single submitter. Criteria: CeGaT Center For Human Genetics Tuebingen Variant Classification Criteria Version 2. Collection method: clinical testing. Allele origin: germline. Affected: yes. Observed: 1 variant allele.
Comment: PITRM1: PP3

Dr. Peter K. Rogan Lab, Western University
No classification provided (evidence only). Condition: Familial cancer of breast. Review status: no classification provided. Collection method: in vitro. Allele origin: not applicable. Functional consequence: skipped exon, retained intron. Not counted in ClinVar's aggregate classification.

Dr. Peter K. Rogan Lab, Western University
No classification provided (evidence only). Condition: Ovarian serous cystadenocarcinoma. Review status: no classification provided. Collection method: in vitro. Allele origin: not applicable. Functional consequence: retained intron. Not counted in ClinVar's aggregate classification.

Dr. Peter K. Rogan Lab, Western University
No classification provided (evidence only). Condition: Gastric cancer. Review status: no classification provided. Collection method: in vitro. Allele origin: not applicable. Functional consequence: retained intron. Not counted in ClinVar's aggregate classification.